The following is an entry in ClinVar:

ClinVar aggregate classification (germline): Uncertain significance (1 of 4 stars; one submission).

Conditions:
Gorlin syndrome. Also called: Nevoid Basal Cell Carcinoma Syndrome; Basal cell nevus syndrome. Identifiers: Orphanet 377, MedGen C0004779, MONDO:0007187.

Allele frequency attached by ClinVar (database versions not stated): gnomAD exomes below 0.00001; TOPMed below 0.00001.
gnomAD v4.1: 4 of 1,614,204 alleles (0.00025%); highest among the groups gnomAD compares: Non-Finnish European, 0.00034%; no homozygotes.

Submission:

Labcorp Genetics (formerly Invitae), Labcorp
Classification: Uncertain significance for Gorlin syndrome. Last evaluated: 2022-09-10. Review status: criteria provided, single submitter. Criteria: Invitae Variant Classification Sherloc (09022015). Collection method: clinical testing. Allele origin: germline.
Comment: This sequence change replaces glycine, which is neutral and non-polar, with alanine, which is neutral and non-polar, at codon 67 of the PTCH2 protein (p.Gly67Ala). In summary, the available evidence is currently insufficient to determine the role of this variant in disease. Therefore, it has been classified as a Variant of Uncertain Significance. Advanced modeling of protein sequence and biophysical properties (such as structural, functional, and spatial information, amino acid conservation, physicochemical variation, residue mobility, and thermodynamic stability) performed at Invitae indicates that this missense variant is not expected to disrupt PTCH2 protein function. This variant has not been reported in the literature in individuals affected with PTCH2-related conditions. This variant is not present in population databases (gnomAD no frequency).

NM_003738.5(PTCH2):c.200G>C (p.Gly67Ala)

Gene: PTCH2 (patched 2; minus strand). Cytogenetic location: 1p34.1.
Variant type: single nucleotide variant.
Coding change: c.200G>C on transcript NM_003738.5 (MANE Select); coding-DNA position 200, G replaced by C.
Protein change: p.Gly67Ala; replaces glycine 67 with alanine.
Molecular consequence: missense variant.
Genome position (GRCh38, 1-based): chr1:44,841,912, C>G on the plus strand (G>C on the coding strand, the complement: PTCH2 is on the minus strand). VCF-style: chr1-44841912-C-G. GRCh37 (hg19) VCF-style: chr1-45307584-C-G.
Other names: c.200G>C, p.Gly67Ala (NM_001166292.2); short protein forms G67A.
Identifiers: ClinVar variation 2201317 (VCV002201317.4), dbSNP rs1281118196, ClinGen allele CA340110771.